The following is an entry in ClinVar:

NM_015474.4(SAMHD1):c.152_155dup (p.Phe53fs)

Gene: SAMHD1 (SAM and HD domain containing deoxynucleoside triphosphate triphosphohydrolase 1; minus strand). Cytogenetic location: 20q11.23.
Variant type: Duplication.
Coding change: c.152_155dup on transcript NM_015474.4 (MANE Select); coding-DNA positions 152 to 155, 4 bases duplicated (GCTC; older notation c.152_155dupGCTC).
Protein change: p.Phe53fs; shifts the reading frame from phenylalanine 53.
Molecular consequence: frameshift variant.
Genome position (GRCh38, 1-based): chr20:36,951,489-36,951,492, GAGC duplicated on the plus strand (GCTC on the coding strand, the reverse complement: SAMHD1 is on the minus strand). VCF-style (leftmost placement, unchanged base first): chr20-36951488-G-GGAGC. GRCh37 (hg19) VCF-style: chr20-35579891-G-GGAGC.
Other names: c.152_155dup, p.Phe53fs (NM_001363729.2, NM_001363733.2); short protein forms F53fs.
Identifiers: ClinVar variation 969961 (VCV000969961.7), dbSNP rs2063734182, ClinGen allele CA1139666684.

ClinVar aggregate classification (germline): Pathogenic (1 of 4 stars; one submission).

Conditions:
Aicardi-Goutieres syndrome 5. Identifiers: Orphanet 51, MedGen C2749659, MONDO:0013059, OMIM 612952.

Submission:

Labcorp Genetics (formerly Invitae), Labcorp
Classification: Pathogenic for Aicardi-Goutieres syndrome 5. Last evaluated: 2019-11-15. Review status: criteria provided, single submitter. Criteria: Invitae Variant Classification Sherloc (09022015). Collection method: clinical testing. Allele origin: germline.
Comment: For these reasons, this variant has been classified as Pathogenic. Loss-of-function variants in SAMHD1 are known to be pathogenic (PMID: 19525956, 22461318). This variant has not been reported in the literature in individuals with SAMHD1-related conditions. This variant is not present in population databases (ExAC no frequency). This sequence change creates a premature translational stop signal (p.Phe53Leufs*9) in the SAMHD1 gene. It is expected to result in an absent or disrupted protein product.

Literature cited by the submitters: PubMed 19525956; PubMed 22461318.